The following is an entry in ClinVar:

NM_001253697.2(ERBIN):c.307+10T>C

Gene: ERBIN (erbb2 interacting protein; plus strand). Cytogenetic location: 5q12.3.
Variant type: single nucleotide variant.
Coding change: c.307+10T>C on transcript NM_001253697.2 (MANE Select); 10 bases into the intron after coding-DNA position 307, T replaced by C.
Molecular consequence: intron variant.
Genome position (GRCh38, 1-based): chr5:65,994,874, T>C. VCF-style: chr5-65994874-T-C. GRCh37 (hg19) VCF-style: chr5-65290702-T-C.
Other names: c.307+10T>C (NM_001253699.2, NM_018695.4, NM_001253698.2 and 3 more transcripts).
Identifiers: ClinVar variation 1626989 (VCV001626989.9), dbSNP rs773877079, ClinGen allele CA3285868.

ClinVar aggregate classification (germline): Likely benign. Review status: criteria provided, multiple submitters, no conflicts (2 of 4 stars). 2 submissions from 2 submitters: Likely benign (2). Last evaluated 2026-01-17.

Conditions:
ERBIN-related disorder. Also called: ERBIN-related condition.

Allele frequency attached by ClinVar (database versions not stated): ExAC 0.00009; gnomAD 0.00010; gnomAD exomes 0.00013 and 0.00022; TOPMed 0.00014.
gnomAD v4.1: 313 of 1,535,706 alleles (0.02%); highest among the groups gnomAD compares: Non-Finnish European, 0.026%; no homozygotes.

Submissions (2):

Labcorp Genetics (formerly Invitae), Labcorp
Classification: Likely benign. Last evaluated: 2026-01-17. Review status: criteria provided, single submitter. Criteria: Invitae Variant Classification Sherloc (09022015). Collection method: clinical testing. Allele origin: germline.

PreventionGenetics, part of Exact Sciences
Classification: Likely benign for ERBIN-related condition. Last evaluated: 2025-01-21. Review status: criteria provided, single submitter. Criteria: ACMG Guidelines, 2015. Collection method: clinical testing. Allele origin: germline.
Comment: This variant is classified as likely benign based on ACMG/AMP sequence variant interpretation guidelines (Richards et al. 2015 PMID: 25741868, with internal and published modifications).